The following is an entry in ClinVar:

ClinVar aggregate classification (germline): Uncertain significance (1 of 4 stars; one submission).

Conditions:
Ehlers-Danlos syndrome, type 4 (EDSVASC). Also called: Ehlers-Danlos Syndrome Type IV; Ehlers-Danlos syndrome vascular type; Ehlers Danlos syndrome, ecchymotic type; Ehlers Danlos syndrome, arterial type; Ehlers Danlos syndrome, Sack-Barabas type. Identifiers: Orphanet 286, MedGen C0268338, MONDO:0017314, OMIM 130050.

Submission:

All of Us Research Program, National Institutes of Health
Classification: Uncertain significance for Ehlers-Danlos syndrome, type 4. Last evaluated: 2023-10-06. Review status: criteria provided, single submitter. Criteria: ACMG Guidelines, 2015. Collection method: clinical testing. Allele origin: germline. Inheritance: Autosomal dominant inheritance. Observed: 1 variant allele, 1 heterozygote.
Comment: This missense variant replaces alanine with serine at codon 176 of the COL3A1 protein. To our knowledge, functional studies have not been reported for this variant. This variant has not been reported in individuals affected with COL3A1-related disorders in the literature. This variant has not been identified in the general population by the Genome Aggregation Database (gnomAD). The available evidence is insufficient to determine the role of this variant in disease conclusively. Therefore, this variant is classified as a Variant of Uncertain Significance.

This study involves interpretation of variants in research participants for the purpose of population health screening. Participant phenotype was not available at the time of variant classification. Additional details can be found in publication PMID: 35346344, PMCID: PMC8962531

NM_000090.4(COL3A1):c.526G>T (p.Ala176Ser)

Gene: COL3A1 (collagen type III alpha 1 chain; plus strand). Cytogenetic location: 2q32.2.
Variant type: single nucleotide variant.
Coding change: c.526G>T on transcript NM_000090.4 (MANE Select); coding-DNA position 526, G replaced by T.
Protein change: p.Ala176Ser; replaces alanine 176 with serine.
Molecular consequence: missense variant.
Genome position (GRCh38, 1-based): chr2:188,987,137, G>T. VCF-style: chr2-188987137-G-T. GRCh37 (hg19) VCF-style: chr2-189851863-G-T.
Other names: short protein forms A176S.
Identifiers: ClinVar variation 3073756 (VCV003073756.1), dbSNP rs2469111541, ClinGen allele CA349848193.